The following is an entry in ClinVar:

ClinVar aggregate classification (germline): Uncertain significance. Review status: criteria provided, multiple submitters, no conflicts (2 of 4 stars). 3 submissions from 3 submitters: Uncertain significance (3). Last evaluated 2026-01-22.

Submissions (3):

GeneDx
Classification: Uncertain significance. Last evaluated: 2026-01-22. Review status: criteria provided, single submitter. Criteria: GeneDx Variant Classification Process June 2021. Collection method: clinical testing. Allele origin: germline. Affected: yes.
Comment: Not observed at significant frequency in large population cohorts (gnomAD); In-frame deletion of 1 amino acid in a non-repeat region; In silico analysis supports a deleterious effect on protein structure/function; Has not been previously published as pathogenic or benign to our knowledge

Labcorp Genetics (formerly Invitae), Labcorp
Classification: Uncertain significance. Last evaluated: 2024-11-21. Review status: criteria provided, single submitter. Criteria: Invitae Variant Classification Sherloc (09022015). Collection method: clinical testing. Allele origin: germline.
Comment: This variant, c.4278_4280del, results in the deletion of 1 amino acid(s) of the NEXMIF protein (p.Phe1427del), but otherwise preserves the integrity of the reading frame. This variant is not present in population databases (gnomAD no frequency). This variant has not been reported in the literature in individuals affected with NEXMIF-related conditions. Experimental studies and prediction algorithms are not available or were not evaluated, and the functional significance of this variant is currently unknown. In summary, the available evidence is currently insufficient to determine the role of this variant in disease. Therefore, it has been classified as a Variant of Uncertain Significance.

Women's Health and Genetics/Laboratory Corporation of America, LabCorp
Classification: Uncertain significance. Last evaluated: 2024-04-04. Review status: criteria provided, single submitter. Criteria: LabCorp Variant Classification Summary - May 2015. Collection method: clinical testing. Allele origin: germline.
Comment: Variant summary: NEXMIF c.4278_4280delCTT (p.Phe1427del) results in an in-frame deletion that is predicted to remove 1 amino acid from the encoded protein. The variant was absent in 183038 control chromosomes (gnomAD). The available data on variant occurrences in the general population are insufficient to allow any conclusion about variant significance. To our knowledge, no occurrence of c.4278_4280delCTT in individuals affected with Intellectual Developmental Disorder, X-Linked 98 and no experimental evidence demonstrating its impact on protein function have been reported. ClinVar contains an entry for this variant (Variation ID: 1334328). Based on the evidence outlined above, the variant was classified as uncertain significance.

NM_001008537.3(NEXMIF):c.4275CTT[1] (p.Phe1427del)

Gene: NEXMIF (neurite extension and migration factor; minus strand). Cytogenetic location: Xq13.3.
Variant type: Microsatellite.
Coding change: c.4275CTT[1] on transcript NM_001008537.3 (MANE Select); one copy of the 3-base unit CTT starting at c.4275; the reference has two copies in a row; one copy, 3 bases deleted.
Protein change: p.Phe1427del; deletes phenylalanine 1427.
Molecular consequence: inframe deletion.
Genome position (GRCh38, 1-based): chrX:74,740,277-74,740,279, AAG deleted on the plus strand (CTT on the coding strand, the reverse complement: NEXMIF is on the minus strand); deleting any 3 consecutive bases within chrX:74,740,277-74,740,282 gives the same sequence; the position shown is the placement nearest the transcript's 3' end. VCF-style (leftmost placement, unchanged base first): chrX-74740276-AAAG-A. GRCh37 (hg19) VCF-style: chrX-73960111-AAAG-A.
Other names: c.4278_4280delCTT (NM_001008537.3); short protein forms F1427del.
Identifiers: ClinVar variation 1334328 (VCV001334328.7), dbSNP rs2147438794, ClinGen allele CA2579647327.